The following is an entry in ClinVar:

ClinVar aggregate classification (germline): Uncertain significance (1 of 4 stars; one submission).

Allele frequency attached by ClinVar (database versions not stated): gnomAD exomes below 0.00001; TOPMed below 0.00001; gnomAD 0.00001.
gnomAD v4.1: 2 of 1,613,882 alleles (0.00012%); highest among the groups gnomAD compares: Non-Finnish European, 0.00017%; no homozygotes.

Submission:

Labcorp Genetics (formerly Invitae), Labcorp
Classification: Uncertain significance. Last evaluated: 2023-05-29. Review status: criteria provided, single submitter. Criteria: Invitae Variant Classification Sherloc (09022015). Collection method: clinical testing. Allele origin: germline.
Comment: ClinVar contains an entry for this variant (Variation ID: 1931370). In summary, the available evidence is currently insufficient to determine the role of this variant in disease. Therefore, it has been classified as a Variant of Uncertain Significance. An algorithm developed to predict the effect of missense changes on protein structure and function (PolyPhen-2) suggests that this variant is likely to be tolerated. This variant has not been reported in the literature in individuals affected with ITGAM-related conditions. This variant is not present in population databases (gnomAD no frequency). This sequence change replaces serine, which is neutral and polar, with isoleucine, which is neutral and non-polar, at codon 293 of the ITGAM protein (p.Ser293Ile).

NM_000632.4(ITGAM):c.878G>T (p.Ser293Ile)

Gene: ITGAM (integrin subunit alpha M; plus strand). Cytogenetic location: 16p11.2.
Variant type: single nucleotide variant.
Coding change: c.878G>T on transcript NM_000632.4 (MANE Select); coding-DNA position 878, G replaced by T.
Protein change: p.Ser293Ile; replaces serine 293 with isoleucine.
Molecular consequence: missense variant.
Genome position (GRCh38, 1-based): chr16:31,275,568, G>T. VCF-style: chr16-31275568-G-T. GRCh37 (hg19) VCF-style: chr16-31286889-G-T.
Other names: c.878G>T, p.Ser293Ile (NM_001145808.2); short protein forms S293I.
Identifiers: ClinVar variation 1931370 (VCV001931370.5), dbSNP rs1333711885, ClinGen allele CA395697206.